The following is an entry in ClinVar:

NM_001360.3(DHCR7):c.1424T>C (p.Phe475Ser)

Gene: DHCR7 (7-dehydrocholesterol reductase; minus strand). Cytogenetic location: 11q13.4.
Variant type: single nucleotide variant.
Coding change: c.1424T>C on transcript NM_001360.3 (MANE Select); coding-DNA position 1424, T replaced by C.
Protein change: p.Phe475Ser; replaces phenylalanine 475 with serine.
Molecular consequence: missense variant.
Genome position (GRCh38, 1-based): chr11:71,435,379, A>G on the plus strand (T>C on the coding strand, the complement: DHCR7 is on the minus strand). VCF-style: chr11-71435379-A-G. GRCh37 (hg19) VCF-style: chr11-71146425-A-G.
Other names: c.1424T>C, p.Phe475Ser (NM_001163817.2); short protein forms F475S.
Identifiers: ClinVar variation 1518612 (VCV001518612.12), dbSNP rs1478872904, ClinGen allele CA381700390.
Genomic context (GRCh38, chr11:71,435,379, plus strand): 5'-GACCTGGCAGAACACGCTCTTGACAGCCCCACAGGGCTTCTCCCTAGGGCGTGCCCTTAG[A>G]AGATTCCAGGCAGCAGGCGGTAAGGCACTGCGGCGGTGTAGCGCTCCCAGTCCCGGCCGT-3'
Protein context (NP_001351.2, residues 465-475): AVPYRLLPGI[Phe475Ser]

ClinVar aggregate classification (germline): Conflicting classifications of pathogenicity. Review status: criteria provided, conflicting classifications (1 of 4 stars). 6 submissions from 6 submitters: Likely pathogenic (2); Uncertain significance (4). Last evaluated 2025-09-17.

Conditions:
DHCR7-related disorder. Also called: DHCR7-related condition.
Smith-Lemli-Opitz syndrome (SLOS). Also called: RSH SYNDROME; RUTLEDGE LETHAL MULTIPLE CONGENITAL ANOMALY SYNDROME; 7-Dehydrocholesterol reductase deficiency; LETHAL ACRODYSGENITAL SYNDROME; POLYDACTYLY, SEX REVERSAL, RENAL HYPOPLASIA, AND UNILOBAR LUNG. Identifiers: Orphanet 818, MedGen C0175694, MONDO:0010035, OMIM 270400.

Allele frequency attached by ClinVar (database versions not stated): gnomAD exomes 0.00001; TOPMed 0.00001.
gnomAD v4.1: 5 of 1,612,098 alleles (0.00031%); highest among the groups gnomAD compares: Non-Finnish European, 0.00034%; no homozygotes.

Submissions (6):

Women's Health and Genetics/Laboratory Corporation of America, LabCorp
Classification: Uncertain significance. Last evaluated: 2025-09-17. Review status: criteria provided, single submitter. Criteria: LabCorp Variant Classification Summary - May 2015. Collection method: clinical testing. Allele origin: germline.
Comment: Variant summary: DHCR7 c.1424T>C (p.Phe475Ser) results in a non-conservative amino acid change in the encoded protein sequence. Algorithms developed to predict the effect of missense changes on protein structure and function all suggest that this variant is likely to be disruptive. The variant allele was found at a frequency of 8.1e-06 in 245588 control chromosomes (gnomAD). c.1424T>C has been reported in the literature as a presumed biallelic compound heterozygous genotype in at-least one individual mildly affected with Smith-Lemli-Opitz Syndrome (example, Witsch-Baumgartner_2005). These data indicates that this variant may be associated with disease. To our knowledge, no experimental evidence demonstrating an impact on protein function has been reported. The following publication have been ascertained in the context of this evaluation (PMID: 15776424). ClinVar contains an entry for this variant (Variation ID: 1518612). Based on the evidence outlined above, the variant was classified as VUS-possibly pathogenic.

Myriad Genetics, Inc.
Classification: Uncertain significance for Smith-Lemli-Opitz syndrome. Last evaluated: 2025-09-12. Review status: criteria provided, single submitter. Criteria: Myriad Autosomal Dominant, Autosomal Recessive and X-Linked Classification Criteria (2023). Collection method: clinical testing. Allele origin: unknown.
Comment: NM_001360.2(DHCR7):c.1424T>C(F475S) is a missense variant classified as a variant of uncertain significance in the context of Smith-Lemli-Opitz syndrome. F475S has been observed in a case with relevant disease (PMID: 15776424). Relevant functional assessments of this variant are not available in the literature. F475S has been observed in referenced population frequency databases. In summary, there is insufficient evidence to classify NM_001360.2(DHCR7):c.1424T>C(F475S) as pathogenic or benign. Please note: this variant was assessed in the context of healthy population screening.

PreventionGenetics, part of Exact Sciences
Classification: Uncertain significance for DHCR7-related condition. Last evaluated: 2025-04-21. Review status: criteria provided, single submitter. Criteria: ACMG Guidelines, 2015. Collection method: clinical testing. Allele origin: germline.
Comment: The DHCR7 c.1424T>C variant is predicted to result in the amino acid substitution p.Phe475Ser. This variant was reported in the compound heterozygous state, with a predicted loss-of-function variant, in an individual with mild Smith-Lemli-Opitz syndrome (Witsch-Baumgartner et al. 2005. PubMed ID: 15776424). This variant is reported in 0.0018% of alleles in individuals of European (Non-Finnish) descent in gnomAD. Although we suspect that this variant may be pathogenic, at this time, the clinical significance of this variant is uncertain due to the absence of conclusive functional and genetic evidence.

Fulgent Genetics
Classification: Uncertain significance for Smith-Lemli-Opitz syndrome. Last evaluated: 2024-01-22. Review status: criteria provided, single submitter. Criteria: ACMG Guidelines, 2015. Collection method: clinical testing. Allele origin: germline.

Labcorp Genetics (formerly Invitae), Labcorp
Classification: Likely pathogenic for Smith-Lemli-Opitz syndrome. Last evaluated: 2023-09-27. Review status: criteria provided, single submitter. Criteria: Invitae Variant Classification Sherloc (09022015). Collection method: clinical testing. Allele origin: germline.
Comment: In summary, the currently available evidence indicates that the variant is pathogenic, but additional data are needed to prove that conclusively. Therefore, this variant has been classified as Likely Pathogenic. Advanced modeling of protein sequence and biophysical properties (such as structural, functional, and spatial information, amino acid conservation, physicochemical variation, residue mobility, and thermodynamic stability) performed at Invitae indicates that this missense variant is expected to disrupt DHCR7 protein function. ClinVar contains an entry for this variant (Variation ID: 1518612). This missense change has been observed in individual(s) with Smith-Lemli-Opitz syndrome (PMID: 15776424). This variant is present in population databases (no rsID available, gnomAD 0.002%). This sequence change replaces phenylalanine, which is neutral and non-polar, with serine, which is neutral and polar, at codon 475 of the DHCR7 protein (p.Phe475Ser).

GeneDx
Classification: Likely pathogenic. Last evaluated: 2022-11-23. Review status: criteria provided, single submitter. Criteria: GeneDx Variant Classification Process June 2021. Collection method: clinical testing. Allele origin: germline. Affected: yes.
Comment: Not observed at significant frequency in large population cohorts (gnomAD); In silico analysis supports that this missense variant has a deleterious effect on protein structure/function; This variant is associated with the following publications: (PMID: 15776424)

Literature cited by the submitters: PubMed 15776424 (cited by 3 submitters).